The following is an entry in ClinVar:

NM_013266.4(CTNNA3):c.1724C>G (p.Thr575Arg)

Gene: CTNNA3 (catenin alpha 3; minus strand). Cytogenetic location: 10q21.3.
Variant type: single nucleotide variant.
Coding change: c.1724C>G on transcript NM_013266.4 (MANE Select); coding-DNA position 1724, C replaced by G.
Protein change: p.Thr575Arg; replaces threonine 575 with arginine.
Molecular consequence: missense variant.
Genome position (GRCh38, 1-based): chr10:66,379,160, G>C on the plus strand (C>G on the coding strand, the complement: CTNNA3 is on the minus strand). VCF-style: chr10-66379160-G-C. GRCh37 (hg19) VCF-style: chr10-68138918-G-C.
Other names: c.1724C>G (NM_013266.2); c.1724C>G, p.Thr575Arg (NM_001127384.3); short protein forms T575R.
Identifiers: ClinVar variation 1380046 (VCV001380046.7), dbSNP rs2092816708, ClinGen allele CA377090209.

ClinVar aggregate classification (germline): Uncertain significance. Review status: criteria provided, multiple submitters, no conflicts (2 of 4 stars). 2 submissions from 2 submitters: Uncertain significance (2). Last evaluated 2025-01-24.

Conditions:
Arrhythmogenic right ventricular dysplasia 13. Also called: Arrhythmogenic right ventricular dysplasia, familial, 13; ARRHYTHMOGENIC RIGHT VENTRICULAR CARDIOMYOPATHY 13. Identifiers: MedGen C3810138, MONDO:0000908, OMIM 615616.

Allele frequency attached by ClinVar (database versions not stated): gnomAD 0.00001; TOPMed 0.00001.
gnomAD v4.1: 2 of 1,613,294 alleles (0.00012%); highest among the groups gnomAD compares: Admixed American, 0.0017%; no homozygotes.

Submissions (2):

Ambry Genetics
Classification: Uncertain significance. Last evaluated: 2025-01-24. Review status: criteria provided, single submitter. Criteria: Ambry Variant Classification Scheme 2023. Collection method: clinical testing. Allele origin: germline.

Labcorp Genetics (formerly Invitae), Labcorp
Classification: Uncertain significance for Arrhythmogenic right ventricular dysplasia 13. Last evaluated: 2021-08-07. Review status: criteria provided, single submitter. Criteria: Invitae Variant Classification Sherloc (09022015). Collection method: clinical testing. Allele origin: germline.
Comment: This sequence change replaces threonine with arginine at codon 575 of the CTNNA3 protein (p.Thr575Arg). The threonine residue is moderately conserved and there is a moderate physicochemical difference between threonine and arginine. This variant is not present in population databases (ExAC no frequency). This variant has not been reported in the literature in individuals affected with CTNNA3-related conditions. Algorithms developed to predict the effect of missense changes on protein structure and function are either unavailable or do not agree on the potential impact of this missense change (SIFT: "Tolerated"; PolyPhen-2: "Not Available"; Align-GVGD: "Class C0"). Algorithms developed to predict the effect of sequence changes on RNA splicing suggest that this variant may create or strengthen a splice site. In summary, the available evidence is currently insufficient to determine the role of this variant in disease. Therefore, it has been classified as a Variant of Uncertain Significance.